The following is an entry in ClinVar:

NM_001378454.1(ALMS1):c.125T>A (p.Val42Asp)

Gene: ALMS1 (ALMS1 centrosome and basal body associated protein; plus strand). Cytogenetic location: 2p13.1.
Variant type: single nucleotide variant.
Coding change: c.125T>A on transcript NM_001378454.1 (MANE Select); coding-DNA position 125, T replaced by A.
Protein change: p.Val42Asp; replaces valine 42 with aspartic acid.
Molecular consequence: missense variant.
Genome position (GRCh38, 1-based): chr2:73,385,993, T>A. VCF-style: chr2-73385993-T-A. GRCh37 (hg19) VCF-style: chr2-73613121-T-A.
Other names: c.128T>A, p.Val43Asp (NM_015120.4); short protein forms V42D, V43D.
Identifiers: ClinVar variation 1401369 (VCV001401369.5), dbSNP rs1337322908, ClinGen allele CA347250658.

ClinVar aggregate classification (germline): Uncertain significance (1 of 4 stars; one submission).

Conditions:
Alstrom syndrome (ALMS). Identifiers: Orphanet 64, MedGen C0268425, MONDO:0008763, OMIM 203800.

Allele frequency attached by ClinVar (database versions not stated): gnomAD exomes below 0.00001; gnomAD 0.00001; 1000 Genomes Project 30x 0.00016.
gnomAD v4.1: 7 of 1,553,044 alleles (0.00045%); highest among the groups gnomAD compares: East Asian, 0.0049%; no homozygotes.

Submission:

Labcorp Genetics (formerly Invitae), Labcorp
Classification: Uncertain significance for Alstrom syndrome. Last evaluated: 2026-01-06. Review status: criteria provided, single submitter. Criteria: Invitae Variant Classification Sherloc (09022015). Collection method: clinical testing. Allele origin: germline.
Comment: This sequence change replaces valine, which is neutral and non-polar, with aspartic acid, which is acidic and polar, at codon 43 of the ALMS1 protein (p.Val43Asp). This variant is not present in population databases (gnomAD no frequency). This variant has not been reported in the literature in individuals affected with ALMS1-related conditions. ClinVar contains an entry for this variant (Variation ID: 1401369). Experimental studies and prediction algorithms are not available or were not evaluated, and the functional significance of this variant is currently unknown. In summary, the available evidence is currently insufficient to determine the role of this variant in disease. Therefore, it has been classified as a Variant of Uncertain Significance.